The following is an entry in ClinVar:

NM_178857.6(RP1L1):c.812C>T (p.Thr271Met)

Gene: RP1L1 (RP1 like 1). Cytogenetic location: 8p23.1.
Variant type: single nucleotide variant.
Coding change: c.812C>T on transcript NM_178857.6 (MANE Select); coding-DNA position 812, C replaced by T.
Protein change: p.Thr271Met; replaces threonine 271 with methionine.
Molecular consequence: missense variant.
Genome position (GRCh38, 1-based): chr8:10,613,286, G>A on the plus strand (C>T on the coding strand, the complement: RP1L1 is on the minus strand). VCF-style: chr8-10613286-G-A. GRCh37 (hg19) VCF-style: chr8-10470796-G-A.
Other names: short protein forms T271M.
Identifiers: ClinVar variation 3352253 (VCV003352253.4).

ClinVar aggregate classification (germline): Conflicting classifications of pathogenicity. Review status: criteria provided, conflicting classifications (1 of 4 stars). 3 submissions from 3 submitters: Uncertain significance (2); Likely benign (1). Last evaluated 2026-08-01.

Conditions:
Inborn genetic diseases. Identifiers: MedGen C0950123, MeSH D030342.
RP1L1-related disorder. Also called: RP1L1-related condition.

Submissions (3):

PreventionGenetics, part of Exact Sciences
Classification: Uncertain significance for RP1L1-related condition. Last evaluated: 2026-08-01. Review status: criteria provided, single submitter. Criteria: ACMG Guidelines, 2015. Collection method: clinical testing. Allele origin: germline.
Comment: The RP1L1 c.812C>T variant is predicted to result in the amino acid substitution p.Thr271Met. To our knowledge, this variant has not been reported in the literature. This variant is reported in 0.010% of alleles in individuals of European (Non-Finnish) descent in gnomAD. At this time, the clinical significance of this variant is uncertain due to the absence of conclusive functional and genetic evidence.

Blueprint Genetics
Classification: Likely benign. Last evaluated: 2024-10-18. Review status: criteria provided, single submitter. Criteria: ACMG Guidelines, 2015. Collection method: clinical testing. Allele origin: germline.

Ambry Genetics
Classification: Uncertain significance for Inborn genetic diseases. Last evaluated: 2024-07-30. Review status: criteria provided, single submitter. Criteria: Ambry Variant Classification Scheme 2023. Collection method: clinical testing. Allele origin: germline.